The following is an entry in ClinVar:

ClinVar aggregate classification (germline): Pathogenic (1 of 4 stars; one submission).

Submission:

Labcorp Genetics (formerly Invitae), Labcorp
Classification: Pathogenic. Last evaluated: 2021-02-15. Review status: criteria provided, single submitter. Criteria: Invitae Variant Classification Sherloc (09022015). Collection method: clinical testing. Allele origin: germline.
Comment: For these reasons, this variant has been classified as Pathogenic. This variant disrupts the triple helix domain of COL4A5. Glycine residues within the Gly-Xaa-Yaa repeats of the triple helix domain are required for the structure and stability of fibrillar collagens (PMID: 7695699, 8218237, 19344236). In COL4A5, missense variants at these glycine residues are significantly enriched in individuals with disease (PMID: 23720012, 27627812) compared to the general population (ExAC). Advanced modeling of protein sequence and biophysical properties (such as structural, functional, and spatial information, amino acid conservation, physicochemical variation, residue mobility, and thermodynamic stability) performed at Invitae indicates that this missense variant is expected to disrupt COL4A5 protein function. This sequence change replaces glycine with arginine at codon 693 of the COL4A5 protein (p.Gly693Arg). The glycine residue is highly conserved and there is a moderate physicochemical difference between glycine and arginine. This variant has been observed in individual(s) with Alport syndrome (PMID: 24033287, Invitae). ClinVar contains an entry for this variant (Variation ID: 587145). This variant is not present in population databases (ExAC no frequency).

Literature cited by the submitters: PubMed 7695699; PubMed 8218237; PubMed 19344236; PubMed 23720012; PubMed 27627812; PubMed 24033287.

NM_033380.3(COL4A5):c.2077G>A (p.Gly693Arg)

Gene: COL4A5 (collagen type IV alpha 5 chain; plus strand). Cytogenetic location: Xq22.3.
Variant type: single nucleotide variant.
Coding change: c.2077G>A on transcript NM_033380.3 (MANE Select); coding-DNA position 2077, G replaced by A.
Protein change: p.Gly693Arg; replaces glycine 693 with arginine.
Molecular consequence: missense variant.
Genome position (GRCh38, 1-based): chrX:108,601,920, G>A. VCF-style: chrX-108601920-G-A. GRCh37 (hg19) VCF-style: chrX-107845150-G-A.
Other names: c.2077G>A, p.Gly693Arg (NM_000495.5); short protein forms G693R.
Identifiers: ClinVar variation 1457360 (VCV001457360.7), dbSNP rs1569495038, ClinGen allele CA413846962.